The following is an entry in ClinVar:

NM_000159.4(GCDH):c.329_332del (p.Ile110fs)

Gene: GCDH (glutaryl-CoA dehydrogenase; plus strand). Cytogenetic location: 19p13.13.
Variant type: Deletion.
Coding change: c.329_332del on transcript NM_000159.4 (MANE Select); coding-DNA positions 329 to 332, 4 bases deleted (TCAA; older notation c.329_332delTCAA).
Protein change: p.Ile110fs; shifts the reading frame from isoleucine 110.
Molecular consequence: frameshift variant. On other transcripts: non-coding transcript variant (1).
Genome position (GRCh38, 1-based): chr19:12,892,173-12,892,176, TCAA deleted; deleting any 4 consecutive bases within chr19:12,892,172-12,892,176 gives the same sequence; the c. name uses the placement nearest the transcript's 3' end. VCF-style (leftmost placement, unchanged base first): chr19-12892171-CATCA-C. GRCh37 (hg19) VCF-style: chr19-13002985-CATCA-C.
Other names: c.329_332del, p.Ile110fs (NM_013976.5); short protein forms I110fs.
Identifiers: ClinVar variation 495686 (VCV000495686.15), dbSNP rs1555749434, ClinGen allele CA658684222.

ClinVar aggregate classification (germline): Pathogenic/Likely pathogenic. Review status: criteria provided, multiple submitters, no conflicts (2 of 4 stars). 3 submissions from 3 submitters: Pathogenic (1); Likely pathogenic (1). 1 of the submissions does not count toward it. Last evaluated 2024-12-04.

Conditions:
Glutaric aciduria, type 1. Also called: GA I; Glutaricaciduria, type I; Glutaric Acidemia Type 1; Glutaricacidemia Type 1; Glutaryl-CoA dehydrogenase deficiency; Glutaric acidemia type I. Identifiers: Orphanet 25, MedGen C0268595, MONDO:0009281, OMIM 231670.

Submissions (3):

Labcorp Genetics (formerly Invitae), Labcorp
Classification: Pathogenic for Glutaric aciduria, type 1. Last evaluated: 2024-12-04. Review status: criteria provided, single submitter. Criteria: Invitae Variant Classification Sherloc (09022015). Collection method: clinical testing. Allele origin: germline.
Comment: This sequence change creates a premature translational stop signal (p.Ile110Lysfs*31) in the GCDH gene. It is expected to result in an absent or disrupted protein product. Loss-of-function variants in GCDH are known to be pathogenic (PMID: 10699052, 11854167, 16602100). This variant is not present in population databases (gnomAD no frequency). This premature translational stop signal has been observed in individual(s) with glutaric acidemia type I (internal data). ClinVar contains an entry for this variant (Variation ID: 495686). Algorithms developed to predict the effect of sequence changes on RNA splicing suggest that this variant may disrupt the consensus splice site. For these reasons, this variant has been classified as Pathogenic.

Women's Health and Genetics/Laboratory Corporation of America, LabCorp
Classification: Likely pathogenic for Glutaric aciduria, type 1. Last evaluated: 2016-12-13. Review status: criteria provided, single submitter. Criteria: LabCorp Variant Classification Summary - May 2015. Collection method: clinical testing. Allele origin: germline.
Comment: Variant summary: The GCDH c.329_332delTCAA (p.Ile110Lysfs) variant results in a premature termination codon, predicted to cause a truncated or absent GCDH protein due to nonsense mediated decay, which are commonly known mechanisms for disease. Mutation taster predicts a damaging outcome for this substitution. This variant is absent in 121344 control chromosomes. The variant of interest has not, to our knowledge, been reported in affected individuals via publications and/or reputable databases/clinical diagnostic laboratories; nor evaluated for functional impact by in vivo/vitro studies. Taken together, this variant is classified as likely pathogenic.

Counsyl
Classification: Likely pathogenic for Glutaric aciduria, type 1. Last evaluated: 2017-11-30. Review status: no assertion criteria provided. Collection method: clinical testing. Allele origin: unknown. Not counted in ClinVar's aggregate classification.

Literature cited by the submitters: PubMed 10699052 (cited by Labcorp Genetics (formerly Invitae), Labcorp); PubMed 11854167 (cited by Labcorp Genetics (formerly Invitae), Labcorp); PubMed 16602100 (cited by Labcorp Genetics (formerly Invitae), Labcorp).